The following is an entry in ClinVar:

ClinVar aggregate classification (germline): Uncertain significance. Review status: criteria provided, multiple submitters, no conflicts (2 of 4 stars). 4 submissions from 4 submitters: Uncertain significance (4). Last evaluated 2026-02-27.

Conditions:
Hereditary cancer-predisposing syndrome. Also called: Tumor predisposition; Hereditary neoplastic syndrome; Hereditary Cancer Syndrome; Neoplastic Syndromes, Hereditary. Identifiers: Orphanet 140162, MedGen C0027672, MeSH D009386, MONDO:0015356.
Familial adenomatous polyposis 1 (FAP1). Also called: FAMILIAL ADENOMATOUS POLYPOSIS 1, ATTENUATED; POLYPOSIS, ADENOMATOUS INTESTINAL. Identifiers: MedGen C2713442, MONDO:0021056, OMIM 175100. Disease mechanism: loss of function.

Submissions (4):

Ambry Genetics
Classification: Uncertain significance for Hereditary cancer-predisposing syndrome. Last evaluated: 2026-02-27. Review status: criteria provided, single submitter. Criteria: Ambry Variant Classification Scheme 2023. Collection method: clinical testing. Allele origin: germline.
Comment: The p.N2518D variant (also known as c.7552A>G), located in coding exon 15 of the APC gene, results from an A to G substitution at nucleotide position 7552. The asparagine at codon 2518 is replaced by aspartic acid, an amino acid with highly similar properties. This amino acid position is not well conserved in available vertebrate species. In addition, in silico predictors for this gene do not accurately predict pathogenicity. Missense variants in APC are not a common cause of disease (Spier I et al. Genet Med. 2024 Feb;26(2):100992). Based on the available evidence, the clinical significance of this variant remains unclear.

Color Diagnostics, LLC DBA Color Health
Classification: Uncertain significance for Hereditary cancer-predisposing syndrome. Last evaluated: 2024-03-06. Review status: criteria provided, single submitter. Criteria: ACMG Guidelines, 2015. Collection method: clinical testing. Allele origin: germline.
Comment: This missense variant replaces asparagine with aspartic acid at codon 2518 of the APC protein. Computational prediction suggests that this variant may not impact protein structure and function (internally defined REVEL score threshold <= 0.5, PMID: 27666373). Splice site prediction tools suggest that this variant may not impact RNA splicing. To our knowledge, functional studies have not been performed for this variant. This variant has not been reported in individuals affected with hereditary cancer in the literature. This variant has not been identified in the general population by the Genome Aggregation Database (gnomAD). The available evidence is insufficient to determine the role of this variant in disease conclusively. Therefore, this variant is classified as a Variant of Uncertain Significance.

Baylor Genetics
Classification: Uncertain significance for Familial adenomatous polyposis 1. Last evaluated: 2023-10-13. Review status: criteria provided, single submitter. Criteria: ACMG Guidelines, 2015. Collection method: clinical testing. Allele origin: unknown.

Labcorp Genetics (formerly Invitae), Labcorp
Classification: Uncertain significance for Familial adenomatous polyposis 1. Last evaluated: 2023-02-06. Review status: criteria provided, single submitter. Criteria: Invitae Variant Classification Sherloc (09022015). Collection method: clinical testing. Allele origin: germline.
Comment: This sequence change replaces asparagine, which is neutral and polar, with aspartic acid, which is acidic and polar, at codon 2518 of the APC protein (p.Asn2518Asp). This variant is not present in population databases (gnomAD no frequency). This variant has not been reported in the literature in individuals affected with APC-related conditions. ClinVar contains an entry for this variant (Variation ID: 924128). Advanced modeling of protein sequence and biophysical properties (such as structural, functional, and spatial information, amino acid conservation, physicochemical variation, residue mobility, and thermodynamic stability) performed at Invitae indicates that this missense variant is not expected to disrupt APC protein function. In summary, the available evidence is currently insufficient to determine the role of this variant in disease. Therefore, it has been classified as a Variant of Uncertain Significance.

NM_000038.6(APC):c.7552A>G (p.Asn2518Asp)

Gene: APC (APC regulator of Wnt signaling pathway; plus strand). Cytogenetic location: 5q22.2.
Variant type: single nucleotide variant.
Coding change: c.7552A>G on transcript NM_000038.6 (MANE Select); coding-DNA position 7552, A replaced by G.
Protein change: p.Asn2518Asp; replaces asparagine 2518 with aspartic acid.
Molecular consequence: missense variant.
Genome position (GRCh38, 1-based): chr5:112,843,146, A>G. VCF-style: chr5-112843146-A-G. GRCh37 (hg19) VCF-style: chr5-112178843-A-G.
Other names: c.7552A>G, p.Asn2518Asp (NM_001127510.3, NM_001354895.2); c.7498A>G, p.Asn2500Asp (NM_001127511.3); c.7606A>G, p.Asn2536Asp (NM_001354896.2); c.7582A>G, p.Asn2528Asp (NM_001354897.2); c.7477A>G, p.Asn2493Asp (NM_001354898.2); c.7468A>G, p.Asn2490Asp (NM_001354899.2); c.7429A>G, p.Asn2477Asp (NM_001354900.2); c.7375A>G, p.Asn2459Asp (NM_001354901.2); and 5 more; short protein forms N2235D, N2500D, N2528D, N2358D, N2459D, N2490D, N2417D, N2536D.
Identifiers: ClinVar variation 924128 (VCV000924128.9), dbSNP rs1766509208, ClinGen allele CA16037746.